The following is an entry in ClinVar:

ClinVar aggregate classification (germline): Uncertain significance (1 of 4 stars; one submission).

Conditions:
ANKRD1-related dilated cardiomyopathy. Identifiers: MedGen CN119551.

Submission:

Labcorp Genetics (formerly Invitae), Labcorp
Classification: Uncertain significance for ANKRD1-related dilated cardiomyopathy. Last evaluated: 2022-05-07. Review status: criteria provided, single submitter. Criteria: Invitae Variant Classification Sherloc (09022015). Collection method: clinical testing. Allele origin: germline.
Comment: This sequence change falls in intron 4 of the ANKRD1 gene. It does not directly change the encoded amino acid sequence of the ANKRD1 protein. It affects a nucleotide within the consensus splice site. This variant is not present in population databases (gnomAD no frequency). This variant has not been reported in the literature in individuals affected with ANKRD1-related conditions. Variants that disrupt the consensus splice site are a relatively common cause of aberrant splicing (PMID: 17576681, 9536098). Algorithms developed to predict the effect of sequence changes on RNA splicing suggest that this variant is not likely to affect RNA splicing. In summary, the available evidence is currently insufficient to determine the role of this variant in disease. Therefore, it has been classified as a Variant of Uncertain Significance.

Literature cited by the submitters: PubMed 17576681; PubMed 9536098.

NM_014391.3(ANKRD1):c.454-3T>C

Gene: ANKRD1 (ankyrin repeat domain 1; minus strand). Cytogenetic location: 10q23.31.
Variant type: single nucleotide variant.
Coding change: c.454-3T>C on transcript NM_014391.3 (MANE Select); 3 bases into the intron before coding-DNA position 454, T replaced by C.
Molecular consequence: intron variant.
Genome position (GRCh38, 1-based): chr10:90,917,833, A>G on the plus strand (T>C on the coding strand, the complement: ANKRD1 is on the minus strand). VCF-style: chr10-90917833-A-G. GRCh37 (hg19) VCF-style: chr10-92677590-A-G.
Identifiers: ClinVar variation 2187092 (VCV002187092.4), dbSNP rs866397796, ClinGen allele CA211423429.
Genomic context (GRCh38, chr10:90,917,833, plus strand): 5'-TCTCCACAATTGCCAAATGTCCTTCCAAGCATGCTCTATGAAGAGCTGTCCGTTTATACT[A>G]TCAGAACAGAGATTTTAAACAGAGATAGCAATAAATATAAAAATGTGTGTAAACCCTTTT-3'